The following is an entry in ClinVar:

ClinVar aggregate classification (germline): Uncertain significance (1 of 4 stars; one submission).

gnomAD v4.1: 4 of 1,614,114 alleles (0.00025%); highest among the groups gnomAD compares: Admixed American, 0.0017%; no homozygotes.

Submission:

Dasa
Classification: Uncertain significance. Last evaluated: 2026-07-18. Review status: criteria provided, single submitter. Criteria: DASA Assertion Criteria. Collection method: clinical testing. Allele origin: germline.
Comment: NM_003718.5(CDK13):c.3597A>T (p.Lys1199Asn) is a missense variant that results in the substitution of lysine with asparagine. This variant is rare in population databases. Computational prediction algorithms are consistent with a benign effect. The currently available literature and clinical evidence are not sufficient to establish a definitive association between this variant and the reported condition. Therefore, this variant is classified as a variant of uncertain significance.

NM_003718.5(CDK13):c.3597A>T (p.Lys1199Asn)

Gene: CDK13 (cyclin dependent kinase 13; plus strand). Cytogenetic location: 7p14.1.
Variant type: single nucleotide variant.
Coding change: c.3597A>T on transcript NM_003718.5 (MANE Select); coding-DNA position 3597, A replaced by T.
Protein change: p.Lys1199Asn; replaces lysine 1199 with asparagine.
Molecular consequence: missense variant.
Genome position (GRCh38, 1-based): chr7:40,093,146, A>T. VCF-style: chr7-40093146-A-T. GRCh37 (hg19) VCF-style: chr7-40132745-A-T.
Other names: c.3417A>T, p.Lys1139Asn (NM_031267.4); short protein forms K1139N, K1199N.
Identifiers: ClinVar variation 5020179 (VCV005020179.1).